The following is an entry in ClinVar:

ClinVar aggregate classification (germline): Uncertain significance (1 of 4 stars; one submission).

Conditions:
Opsismodysplasia (OPSMD). Also called: INPPL1-Related Opsismodysplasia. Identifiers: Orphanet 2746, MedGen C0432219, MONDO:0009785, OMIM 258480.

Submission:

Juno Genomics, Hangzhou Juno Genomics, Inc
Classification: Uncertain significance for Opsismodysplasia. Review status: criteria provided, single submitter. Criteria: ACMG Guidelines, 2015. Collection method: clinical testing. Allele origin: germline.
Comment: Absent from controls (or at extremely low frequency if recessive) in Genome Aggregation Database.;Protein length changes due to in-frame deletions/insertions in a non-repeat region or stop-loss variants.

NM_001567.4(INPPL1):c.3516_3521dup (p.Arg1174_Glu1175insIleArg)

Gene: INPPL1 (inositol polyphosphate phosphatase like 1; plus strand). Cytogenetic location: 11q13.4.
Variant type: Duplication.
Coding change: c.3516_3521dup on transcript NM_001567.4 (MANE Select); coding-DNA positions 3516 to 3521, 6 bases duplicated (CATCCG; older notation c.3516_3521dupCATCCG).
Protein change: p.Arg1174_Glu1175insIleArg.
Molecular consequence: inframe insertion.
Genome position (GRCh38, 1-based): chr11:72,237,760-72,237,765, CATCCG duplicated; duplicating any 6 consecutive bases within chr11:72,237,757-72,237,765 gives the same sequence; the c. name uses the placement nearest the transcript's 3' end. VCF-style (leftmost placement, unchanged base first): chr11-72237756-C-CCCGCAT. GRCh37 (hg19) VCF-style: chr11-71948800-C-CCCGCAT.
Other names: c.3582_3587dup, p.Arg1196_Glu1197insIleArg (NM_001440434.1); c.3516_3521dup, p.Arg1174_Glu1175insIleArg (NM_001440435.1, NM_001440436.1, NM_001440438.1); c.3375_3380dup, p.Arg1127_Glu1128insIleArg (NM_001440437.1).
Identifiers: ClinVar variation 5004979 (VCV005004979.2).